The following is an entry in ClinVar:

NM_000443.4(ABCB4):c.667A>G (p.Ile223Val)

Gene: ABCB4 (ATP binding cassette subfamily B member 4; minus strand). Cytogenetic location: 7q21.12.
Variant type: single nucleotide variant.
Coding change: c.667A>G on transcript NM_000443.4 (MANE Select); coding-DNA position 667, A replaced by G.
Protein change: p.Ile223Val; replaces isoleucine 223 with valine.
Molecular consequence: missense variant.
Genome position (GRCh38, 1-based): chr7:87,451,664, T>C on the plus strand (A>G on the coding strand, the complement: ABCB4 is on the minus strand). VCF-style: chr7-87451664-T-C. GRCh37 (hg19) VCF-style: chr7-87080980-T-C.
Other names: c.667A>G, p.Ile223Val (NM_018849.3, NM_018850.3); short protein forms I223V.
Identifiers: ClinVar variation 4846498 (VCV004846498.1).
Genomic context (GRCh38, chr7:87,451,664, plus strand): 5'-AGGCCCAGCTTTCACATACCTTTGCCCAAACGGCTGCAGAGAGTCCTAGAATAGGGCTGA[T>C]GGCCATTATCACAAGGGTGAGCTTCCATCCTCTGATGAATCCCACTATGAATCCTGCAAA-3'
Protein context (NP_000434.1, residues 213-233): GWKLTLVIMA[Ile223Val]SPILGLSAAV

ClinVar aggregate classification (germline): Uncertain significance (1 of 4 stars; one submission).

Conditions:
Familial intrahepatic cholestasis. Identifiers: Orphanet 284385, MedGen CN296401, MONDO:0017290.

Submission:

Genomenon, Inc
Classification: Uncertain significance for Familial intrahepatic cholestasis. Last evaluated: 2026-04-14. Review status: criteria provided, single submitter. Criteria: Genomenon Sequence Variant Interpretation Standards - Updated. Collection method: curation. Allele origin: germline. Affected: yes.
Comment: ABCB4 p.Ile223Val (c.667A>G) is a missense variant that changes the amino acid at residue 223 from Isoleucine to Valine. This variant has been observed in at least one proband with an ABCB4-related disorder (PMID:35317165). It is absent or not present at a significant frequency in gnomAD. In silico models predict that this variant is not damaging. In conclusion, we classify ABCB4 p.Ile223Val (c.667A>G) as a variant of uncertain significance.

Literature cited by the submitters: PubMed 35317165.